The following is an entry in ClinVar:

Single allele

Gene: NBPF14 (NBPF member 14; minus strand). Cytogenetic location: 1q21.2.
Variant type: single nucleotide variant.
Identifiers: ClinVar variation 2639133 (VCV002639133.19), dbSNP rs200904441, ClinGen allele CA1067281.

ClinVar aggregate classification (germline): Likely benign (1 of 4 stars; one submission).

Submission:

CeGaT Center for Human Genetics Tuebingen
Classification: Likely benign. Last evaluated: 2022-03-01. Review status: criteria provided, single submitter. Criteria: CeGaT Center For Human Genetics Tuebingen Variant Classification Criteria Version 2. Collection method: clinical testing. Allele origin: germline. Affected: yes. Observed: 1 variant allele.
Comment: NBPF14: BS1